The following is an entry in ClinVar:

NM_004960.4(FUS):c.511G>T (p.Gly171Cys)

Gene: FUS (FUS RNA binding protein; plus strand). Cytogenetic location: 16p11.2.
Variant type: single nucleotide variant.
Coding change: c.511G>T on transcript NM_004960.4 (MANE Select); coding-DNA position 511, G replaced by T.
Protein change: p.Gly171Cys; replaces glycine 171 with cysteine.
Molecular consequence: missense variant. On other transcripts: non-coding transcript variant (1).
Genome position (GRCh38, 1-based): chr16:31,184,384, G>T. VCF-style: chr16-31184384-G-T. GRCh37 (hg19) VCF-style: chr16-31195705-G-T.
Other names: c.508G>T, p.Gly170Cys (NM_001170634.1); c.511G>T, p.Gly171Cys (NM_001170937.1); short protein forms G170C, G171C.
Identifiers: ClinVar variation 2940512 (VCV002940512.3), dbSNP rs979694739, ClinGen allele CA395669224.

ClinVar aggregate classification (germline): Uncertain significance (1 of 4 stars; one submission).

Conditions:
Amyotrophic lateral sclerosis type 6. Also called: FUS-Related Amyotrophic Laterial Sclerosis; AMYOTROPHIC LATERAL SCLEROSIS 6 WITHOUT FRONTOTEMPORAL DEMENTIA; Amyotrophic lateral sclerosis 6, with or without frontotemporal dementia. Identifiers: Orphanet 275872, Orphanet 803, MedGen C2931786, MONDO:0011951, OMIM 608030.
Tremor, hereditary essential, 4 (ETM4). Identifiers: MedGen C3539195, MONDO:0013888, OMIM 614782.

Submission:

Labcorp Genetics (formerly Invitae), Labcorp
Classification: Uncertain significance for Tremor, hereditary essential, 4; Amyotrophic lateral sclerosis type 6. Last evaluated: 2022-12-03. Review status: criteria provided, single submitter. Criteria: Invitae Variant Classification Sherloc (09022015). Collection method: clinical testing. Allele origin: germline.
Comment: In summary, the available evidence is currently insufficient to determine the role of this variant in disease. Therefore, it has been classified as a Variant of Uncertain Significance. Algorithms developed to predict the effect of missense changes on protein structure and function are either unavailable or do not agree on the potential impact of this missense change (SIFT: "Tolerated"; PolyPhen-2: "Not Available"; Align-GVGD: "Class C15"). This variant has not been reported in the literature in individuals affected with FUS-related conditions. This variant is not present in population databases (gnomAD no frequency). This sequence change replaces glycine, which is neutral and non-polar, with cysteine, which is neutral and slightly polar, at codon 171 of the FUS protein (p.Gly171Cys).